The following is an entry in ClinVar:

NM_006892.4(DNMT3B):c.1087C>T (p.Arg363Cys)

Gene: DNMT3B (DNA methyltransferase 3 beta; plus strand). Cytogenetic location: 20q11.21.
Variant type: single nucleotide variant.
Coding change: c.1087C>T on transcript NM_006892.4 (MANE Select); coding-DNA position 1087, C replaced by T.
Protein change: p.Arg363Cys; replaces arginine 363 with cysteine.
Molecular consequence: missense variant. On other transcripts: intron variant (5).
Genome position (GRCh38, 1-based): chr20:32,793,556, C>T. VCF-style: chr20-32793556-C-T. GRCh37 (hg19) VCF-style: chr20-31381362-C-T.
Other names: c.1066+786C>T (NM_175848.2, NM_175849.2); c.940+786C>T (NM_001207055.2); c.838+786C>T (NM_001207056.2); c.1102+786C>T (NM_175850.3); short protein forms R363C.
Identifiers: ClinVar variation 944620 (VCV000944620.11), dbSNP rs113400552, ClinGen allele CA313189530.

ClinVar aggregate classification (germline): Uncertain significance. Review status: criteria provided, single submitter (1 of 4 stars). 3 submissions from 3 submitters: Uncertain significance (1). 2 of the submissions do not count toward it. Last evaluated 2021-08-26.

Conditions:
Centromeric instability of chromosomes 1,9 and 16 and immunodeficiency (ICF1). Also called: CENTROMERIC INSTABILITY, IMMUNODEFICIENCY SYNDROME; IMMUNE DEFICIENCY, VARIABLE, WITH CENTROMERIC INSTABILITY OF CHROMOSOMES 1, 9, AND 16; IMMUNODEFICIENCY SYNDROME, VARIABLE; Immunodeficiency-centromeric instability-facial anomalies. Identifiers: Orphanet 2268, MedGen C0398788, MONDO:0000133.

Allele frequency attached by ClinVar (database versions not stated): gnomAD exomes 0.00003; TOPMed 0.00004; gnomAD 0.00005 and 0.00006.
gnomAD v4.1: 53 of 1,613,994 alleles (0.0033%); highest among the groups gnomAD compares: East Asian, 0.0045%; no homozygotes.

Submissions (3):

Labcorp Genetics (formerly Invitae), Labcorp
Classification: Uncertain significance for Centromeric instability of chromosomes 1,9 and 16 and immunodeficiency. Last evaluated: 2021-08-26. Review status: criteria provided, single submitter. Criteria: Invitae Variant Classification Sherloc (09022015). Collection method: clinical testing. Allele origin: germline.
Comment: This sequence change replaces arginine with cysteine at codon 363 of the DNMT3B protein (p.Arg363Cys). The arginine residue is moderately conserved and there is a large physicochemical difference between arginine and cysteine. This variant is not present in population databases (ExAC no frequency). This variant has not been reported in the literature in individuals affected with DNMT3B-related conditions. Algorithms developed to predict the effect of missense changes on protein structure and function are either unavailable or do not agree on the potential impact of this missense change (SIFT: "Deleterious"; PolyPhen-2: "Benign"; Align-GVGD: "Class C0"). In summary, the available evidence is currently insufficient to determine the role of this variant in disease. Therefore, it has been classified as a Variant of Uncertain Significance.

Clinical Genetics DNA and cytogenetics Diagnostics Lab, Erasmus MC, Erasmus Medical Center
Classification: Uncertain significance. Review status: no assertion criteria provided. Collection method: clinical testing. Allele origin: germline. Affected: yes. Study: VKGL Data-share Consensus. Not counted in ClinVar's aggregate classification.

Diagnostic Laboratory, Department of Genetics, University Medical Center Groningen
Classification: Uncertain significance. Review status: no assertion criteria provided. Collection method: clinical testing. Allele origin: germline. Affected: yes. Study: VKGL Data-share Consensus. Not counted in ClinVar's aggregate classification.